The following is an entry in ClinVar:

ClinVar aggregate classification (germline): Uncertain significance (1 of 4 stars; one submission).

Conditions:
Congenital insensitivity to pain-hypohidrosis syndrome. Also called: Neuropathy, hereditary sensory and autonomic, type VIII; HSAN VIII. Identifiers: Orphanet 478664, MedGen C4225308, MONDO:0014662, OMIM 616488.

Allele frequency attached by ClinVar (database versions not stated): gnomAD exomes 0.00001; ExAC 0.00004; gnomAD 0.00005; TOPMed 0.00005.

Submission:

Labcorp Genetics (formerly Invitae), Labcorp
Classification: Uncertain significance for Congenital insensitivity to pain-hypohidrosis syndrome. Last evaluated: 2022-03-11. Review status: criteria provided, single submitter. Criteria: Invitae Variant Classification Sherloc (09022015). Collection method: clinical testing. Allele origin: germline.
Comment: This sequence change replaces proline, which is neutral and non-polar, with serine, which is neutral and polar, at codon 232 of the PRDM12 protein (p.Pro232Ser). This variant is present in population databases (rs767787383, gnomAD 0.01%). This variant has not been reported in the literature in individuals affected with PRDM12-related conditions. Algorithms developed to predict the effect of missense changes on protein structure and function (SIFT, PolyPhen-2, Align-GVGD) all suggest that this variant is likely to be tolerated. In summary, the available evidence is currently insufficient to determine the role of this variant in disease. Therefore, it has been classified as a Variant of Uncertain Significance.

NM_021619.3(PRDM12):c.694C>T (p.Pro232Ser)

Genes: PRDM12 (PR/SET domain 12; plus strand), LOC130002813 (ATAC-STARR-seq lymphoblastoid silent region 20403; plus strand). Cytogenetic location: 9q34.12.
Variant type: single nucleotide variant.
Coding change: c.694C>T on transcript NM_021619.3 (MANE Select); coding-DNA position 694, C replaced by T.
Protein change: p.Pro232Ser; replaces proline 232 with serine.
Molecular consequence: missense variant.
Genome position (GRCh38, 1-based): chr9:130,681,259, C>T. VCF-style: chr9-130681259-C-T. GRCh37 (hg19) VCF-style: chr9-133556646-C-T.
Other names: short protein forms P232S.
Identifiers: ClinVar variation 2042632 (VCV002042632.1), dbSNP rs767787383, ClinGen allele CA5284644.